The following is an entry in ClinVar:

NM_017780.4(CHD7):c.5607+11G>A

Gene: CHD7 (chromodomain helicase DNA binding protein 7; plus strand). Cytogenetic location: 8q12.2.
Variant type: single nucleotide variant.
Coding change: c.5607+11G>A on transcript NM_017780.4 (MANE Select); 11 bases into the intron after coding-DNA position 5607, G replaced by A.
Molecular consequence: intron variant.
Genome position (GRCh38, 1-based): chr8:60,851,115, G>A. VCF-style: chr8-60851115-G-A. GRCh37 (hg19) VCF-style: chr8-61763674-G-A.
Other names: c.1717-11114G>A (NM_001316690.1).
Identifiers: ClinVar variation 517573 (VCV000517573.13), dbSNP rs369304706, ClinGen allele CA4760407.
Genomic context (GRCh38, chr8:60,851,115, plus strand): 5'-AAGACCCAGAATATAAACCAACCAGAACACCGTTCAAAGATGAAATAGATGTATGAACTT[G>A]AGTATATTGGCTTTTATAGCTCCATTAAAATATTATATGCCCACATAAGACTTGTTAAAC-3'

ClinVar aggregate classification (germline): Likely benign. Review status: criteria provided, multiple submitters, no conflicts (2 of 4 stars). 4 submissions from 4 submitters: Likely benign (4). Last evaluated 2026-01-27.

Conditions:
CHARGE syndrome (CHARGE). Also called: Hittner Hirsch Kreh syndrome; Coloboma, heart anomaly, choanal atresia, retardation, genital and ear anomalies; CHARGE association; Hall-Hittner syndrome; CHARGE ASSOCIATION--COLOBOMA, HEART ANOMALY, CHOANAL ATRESIA, RETARDATION, GENITAL AND EAR ANOMALIES. Identifiers: Orphanet 138, MedGen C0265354, MONDO:0008965.
Hypogonadotropic hypogonadism 5 with or without anosmia (KAL5). Also called: HYPOGONADOTROPIC HYPOGONADISM 5 WITH ANOSMIA; HYPOGONADOTROPHIC HYPOGONADISM 5 WITHOUT ANOSMIA; CHD7-Related GnRH Deficiency (Kallmann Syndrome 5). Identifiers: Orphanet 478, MedGen C3552553, MONDO:0012880, OMIM 612370. Disease mechanism: loss of function.

Allele frequency attached by ClinVar (database versions not stated): gnomAD 0.00013 and 0.00014; gnomAD exomes 0.00017; TOPMed 0.00019; ExAC 0.00026; ESP Exome Variant Server 0.00034.
gnomAD v4.1: 770 of 1,553,958 alleles (0.05%); highest among the groups gnomAD compares: Non-Finnish European, 0.064%; 1 homozygote.

Submissions (4):

Labcorp Genetics (formerly Invitae), Labcorp
Classification: Likely benign for CHARGE syndrome. Last evaluated: 2026-01-27. Review status: criteria provided, single submitter. Criteria: Invitae Variant Classification Sherloc (09022015). Collection method: clinical testing. Allele origin: germline.

Blueprint Genetics
Classification: Likely benign. Last evaluated: 2023-11-17. Review status: criteria provided, single submitter. Criteria: ACMG Guidelines, 2015. Collection method: clinical testing. Allele origin: germline.

Fulgent Genetics
Classification: Likely benign for CHD7-related CHARGE syndrome; Hypogonadotropic hypogonadism 5 with or without anosmia. Last evaluated: 2021-12-21. Review status: criteria provided, single submitter. Criteria: ACMG Guidelines, 2015. Collection method: clinical testing. Allele origin: unknown.

Laboratory for Molecular Medicine, Mass General Brigham Personalized Medicine
Classification: Likely benign. Last evaluated: 2018-01-09. Review status: criteria provided, single submitter. Criteria: LMM Criteria. Collection method: clinical testing. Allele origin: germline. Observed: 1 variant allele.
Comment: c.5607+11G>A in intron 27 of CHD7: This variant is not expected to have clinical significance because it does not alter an amino acid residue and is not located within the splice consensus sequence. It has been identified in 0.06% (7/12544) of European chromosomes by the Exome Aggregation Consortium (ExAC.; dbSNP rs369304706). 30/79964 of European chromosomes by the Genome Aggregation Database (gnomAD)